The following is an entry in ClinVar:

ClinVar aggregate classification (germline): Uncertain significance. Review status: criteria provided, multiple submitters, no conflicts (2 of 4 stars). 3 submissions from 3 submitters: Uncertain significance (3). Last evaluated 2023-03-10.

Conditions:
Inborn genetic diseases. Identifiers: MedGen C0950123, MeSH D030342.
Joubert syndrome 21 (JBTS21). Identifiers: MedGen C3810212, MONDO:0014288, OMIM 615636.

Allele frequency attached by ClinVar (database versions not stated): gnomAD 0.00002; TOPMed 0.00002; gnomAD exomes 0.00003; ExAC 0.00005; ESP Exome Variant Server 0.00008.
gnomAD v4.1: 43 of 1,606,590 alleles (0.0027%); highest among the groups gnomAD compares: Non-Finnish European, 0.003%; no homozygotes.

Submissions (3):

Blueprint Genetics
Classification: Uncertain significance. Last evaluated: 2023-03-10. Review status: criteria provided, single submitter. Criteria: ACMG Guidelines, 2015. Collection method: clinical testing. Allele origin: germline.

Ambry Genetics
Classification: Uncertain significance for Inborn genetic diseases. Last evaluated: 2022-05-25. Review status: criteria provided, single submitter. Criteria: Ambry Variant Classification Scheme 2023. Collection method: clinical testing. Allele origin: germline.

Labcorp Genetics (formerly Invitae), Labcorp
Classification: Uncertain significance for Joubert syndrome 21. Last evaluated: 2022-03-21. Review status: criteria provided, single submitter. Criteria: Invitae Variant Classification Sherloc (09022015). Collection method: clinical testing. Allele origin: germline.
Comment: This sequence change replaces arginine, which is basic and polar, with histidine, which is basic and polar, at codon 916 of the CSPP1 protein (p.Arg916His). This variant is present in population databases (rs376724794, gnomAD 0.01%). This variant has not been reported in the literature in individuals affected with CSPP1-related conditions. ClinVar contains an entry for this variant (Variation ID: 838262). Algorithms developed to predict the effect of missense changes on protein structure and function are either unavailable or do not agree on the potential impact of this missense change (SIFT: "Deleterious"; PolyPhen-2: "Probably Damaging"; Align-GVGD: "Class C0"). In summary, the available evidence is currently insufficient to determine the role of this variant in disease. Therefore, it has been classified as a Variant of Uncertain Significance.

NM_001382391.1(CSPP1):c.2762G>A (p.Arg921His)

Gene: CSPP1 (centrosome and spindle pole associated protein 1; plus strand). Cytogenetic location: 8q13.2.
Variant type: single nucleotide variant.
Coding change: c.2762G>A on transcript NM_001382391.1 (MANE Select); coding-DNA position 2762, G replaced by A.
Protein change: p.Arg921His; replaces arginine 921 with histidine.
Molecular consequence: missense variant.
Genome position (GRCh38, 1-based): chr8:67,164,442, G>A. VCF-style: chr8-67164442-G-A. GRCh37 (hg19) VCF-style: chr8-68076677-G-A.
Other names: c.1712G>A, p.Arg571His (NM_001291339.2); c.2681G>A, p.Arg894His (NM_001363131.2); c.2567G>A, p.Arg856His (NM_001363132.2); c.2486G>A, p.Arg829His (NM_001363133.2); c.2828G>A, p.Arg943His (NM_001364869.1); c.2648G>A, p.Arg883His (NM_001364870.1); c.2747G>A, p.Arg916His (NM_024790.7); short protein forms R894H, R571H, R943H, R883H, R916H, R829H, R856H, R921H.
Identifiers: ClinVar variation 838262 (VCV000838262.6), dbSNP rs376724794, ClinGen allele CA4770936.